The following is an entry in ClinVar:

NM_000553.6(WRN):c.1319G>A (p.Ser440Asn)

Gene: WRN (WRN RecQ like helicase; plus strand). Cytogenetic location: 8p12.
Variant type: single nucleotide variant.
Coding change: c.1319G>A on transcript NM_000553.6 (MANE Select); coding-DNA position 1319, G replaced by A.
Protein change: p.Ser440Asn; replaces serine 440 with asparagine.
Molecular consequence: missense variant.
Genome position (GRCh38, 1-based): chr8:31,083,748, G>A. VCF-style: chr8-31083748-G-A. GRCh37 (hg19) VCF-style: chr8-30941264-G-A.
Other names: short protein forms S440N.
Identifiers: ClinVar variation 2173027 (VCV002173027.2), dbSNP rs2535916904, ClinGen allele CA370922734.

ClinVar aggregate classification (germline): Uncertain significance (1 of 4 stars; one submission).

Conditions:
Werner syndrome (WRN). Identifiers: Orphanet 902, MedGen C0043119, MONDO:0010196, OMIM 277700.

Submission:

Labcorp Genetics (formerly Invitae), Labcorp
Classification: Uncertain significance for Werner syndrome. Last evaluated: 2025-06-02. Review status: criteria provided, single submitter. Criteria: Invitae Variant Classification Sherloc (09022015). Collection method: clinical testing. Allele origin: germline.
Comment: This sequence change replaces serine, which is neutral and polar, with asparagine, which is neutral and polar, at codon 440 of the WRN protein (p.Ser440Asn). This variant is not present in population databases (gnomAD no frequency). This variant has not been reported in the literature in individuals affected with WRN-related conditions. ClinVar contains an entry for this variant (Variation ID: 2173027). An algorithm developed to predict the effect of missense changes on protein structure and function (PolyPhen-2) suggests that this variant is likely to be tolerated. In summary, the available evidence is currently insufficient to determine the role of this variant in disease. Therefore, it has been classified as a Variant of Uncertain Significance.